The following is an entry in ClinVar:

NM_002838.5(PTPRC):c.835G>A (p.Ala279Thr)

Gene: PTPRC (protein tyrosine phosphatase receptor type C; plus strand). Cytogenetic location: 1q32.1.
Variant type: single nucleotide variant.
Coding change: c.835G>A on transcript NM_002838.5 (MANE Select); coding-DNA position 835, G replaced by A.
Protein change: p.Ala279Thr; replaces alanine 279 with threonine.
Molecular consequence: missense variant.
Genome position (GRCh38, 1-based): chr1:198,706,883, G>A. VCF-style: chr1-198706883-G-A. GRCh37 (hg19) VCF-style: chr1-198676012-G-A.
Other names: c.352G>A, p.Ala118Thr (NM_080921.4); short protein forms A118T, A279T.
Identifiers: ClinVar variation 657984 (VCV000657984.8), dbSNP rs1189209220, ClinGen allele CA344033723.

ClinVar aggregate classification (germline): Uncertain significance (1 of 4 stars; one submission).

Conditions:
Immunodeficiency 104. Also called: Severe combined immunodeficiency, autosomal recessive, T cell-negative, B cell-positive, NK cell-positive; IMMUNODEFICIENCY 104, SEVERE COMBINED; SCID, AUTOSOMAL RECESSIVE, T CELL-NEGATIVE, B CELL-POSITIVE, NK CELL-POSITIVE; Severe Combined Immune Deficiency, Autosomal Recessive, TCell -Negative, B Cell-Positive, NK Cell-Positive, IL7R-Related. Identifiers: MedGen C5676890, MONDO:0012163, OMIM 608971.

Allele frequency attached by ClinVar (database versions not stated): gnomAD exomes below 0.00001 and 0.00001.
gnomAD v4.1: 8 of 1,613,672 alleles (0.0005%); highest among the groups gnomAD compares: Non-Finnish European, 0.00068%; no homozygotes.

Submission:

Labcorp Genetics (formerly Invitae), Labcorp
Classification: Uncertain significance for Immunodeficiency 104. Last evaluated: 2021-08-28. Review status: criteria provided, single submitter. Criteria: Invitae Variant Classification Sherloc (09022015). Collection method: clinical testing. Allele origin: germline.
Comment: This sequence change replaces alanine with threonine at codon 279 of the PTPRC protein (p.Ala279Thr). The alanine residue is weakly conserved and there is a small physicochemical difference between alanine and threonine. This variant is not present in population databases (ExAC no frequency). This variant has not been reported in the literature in individuals affected with PTPRC-related conditions. Algorithms developed to predict the effect of missense changes on protein structure and function output the following: SIFT: "Tolerated"; PolyPhen-2: "Benign"; Align-GVGD: "Class C0". The threonine amino acid residue is found in multiple mammalian species, which suggests that this missense change does not adversely affect protein function. In summary, the available evidence is currently insufficient to determine the role of this variant in disease. Therefore, it has been classified as a Variant of Uncertain Significance.